The following is an entry in ClinVar:

ClinVar aggregate classification (germline): Benign/Likely benign. Review status: criteria provided, multiple submitters, no conflicts (2 of 4 stars). 3 submissions from 3 submitters: Benign (1); Likely benign (1). 1 of the submissions does not count toward it. Last evaluated 2025-10-07.

Conditions:
POLA1-related disorder. Also called: POLA1-related condition.

Allele frequency attached by ClinVar (database versions not stated): gnomAD exomes 0.00002 and 0.00018; gnomAD 0.00010 and 0.00012; TOPMed 0.00011; ExAC 0.00020; 1000 Genomes Project 0.00079; 1000 Genomes Project 30x 0.00083.
gnomAD v4.1: 49 of 1,200,926 alleles (0.0041%); highest among the groups gnomAD compares: East Asian, 0.086%; 1 homozygote.

Submissions (3):

Labcorp Genetics (formerly Invitae), Labcorp
Classification: Benign. Last evaluated: 2025-10-07. Review status: criteria provided, single submitter. Criteria: Invitae Variant Classification Sherloc (09022015). Collection method: clinical testing. Allele origin: germline.

Blueprint Genetics
Classification: Likely benign. Last evaluated: 2024-10-03. Review status: criteria provided, single submitter. Criteria: ACMG Guidelines, 2015. Collection method: clinical testing. Allele origin: germline.

PreventionGenetics, part of Exact Sciences
Classification: Likely benign for POLA1-related condition. Last evaluated: 2019-09-09. Review status: no assertion criteria provided. Collection method: clinical testing. Allele origin: germline. Not counted in ClinVar's aggregate classification.
Comment: This variant is classified as likely benign based on ACMG/AMP sequence variant interpretation guidelines (Richards et al. 2015 PMID: 25741868, with internal and published modifications).

NM_001330360.2(POLA1):c.3516C>G (p.Gly1172=)

Gene: POLA1 (DNA polymerase alpha 1, catalytic subunit; plus strand). Cytogenetic location: Xp22.11.
Variant type: single nucleotide variant.
Coding change: c.3516C>G on transcript NM_001330360.2 (MANE Select); coding-DNA position 3516, C replaced by G.
Protein change: p.Gly1172=; no amino-acid change (glycine 1172 retained).
Molecular consequence: synonymous variant. On other transcripts: non-coding transcript variant (2).
Genome position (GRCh38, 1-based): chrX:24,821,538, C>G. VCF-style: chrX-24821538-C-G. GRCh37 (hg19) VCF-style: chrX-24839655-C-G.
Other names: c.3441C>G, p.Gly1147= (NM_001378303.1); c.3498C>G, p.Gly1166= (NM_016937.4); c.3498C>G (NM_016937.3).
Identifiers: ClinVar variation 1164418 (VCV001164418.10), dbSNP rs200148911, ClinGen allele CA10373569.
Genomic context (GRCh38, chrX:24,821,538, plus strand): 5'-CCCTGATAAAAAAAGCCTACCTCATGTACATGTTGCCCTCTGGATAAATTCTCAAGGAGG[C>G]AGAAAGGTGAAAGCTGGAGATACTGTGTCATATGTCATCTGTCAGGTAAACTATTGACAT-3'
Protein context (NP_001317289.1, residues 1162-1182): HVALWINSQG[Gly1172=]RKVKAGDTVS